The following is an entry in ClinVar:

NM_198428.3(BBS9):c.2134G>A (p.Ala712Thr)

Gene: BBS9 (Bardet-Biedl syndrome 9; plus strand). Cytogenetic location: 7p14.3.
Variant type: single nucleotide variant.
Coding change: c.2134G>A on transcript NM_198428.3 (MANE Select); coding-DNA position 2134, G replaced by A.
Protein change: p.Ala712Thr; replaces alanine 712 with threonine.
Molecular consequence: missense variant. On other transcripts: non-coding transcript variant (3), intron variant (1).
Genome position (GRCh38, 1-based): chr7:33,505,481, G>A. VCF-style: chr7-33505481-G-A. GRCh37 (hg19) VCF-style: chr7-33545093-G-A.
Other names: c.2029G>A, p.Ala677Thr (NM_001033604.2); c.2119G>A, p.Ala707Thr (NM_001033605.2); c.2134G>A, p.Ala712Thr (NM_001348036.1, NM_001348041.4, NM_001348043.3 and 3 more transcripts); c.1861G>A, p.Ala621Thr (NM_001348038.3); c.1756G>A, p.Ala586Thr (NM_001348039.3); c.2014G>A, p.Ala672Thr (NM_001348040.3, NM_014451.4); c.1999G>A, p.Ala667Thr (NM_001348042.3); c.1663G>A, p.Ala555Thr (NM_001348044.3); and 2 more; short protein forms A555T, A667T, A672T, A712T, A590T, A677T, A707T, A621T.
Identifiers: ClinVar variation 2194133 (VCV002194133.2), dbSNP rs751173437, ClinGen allele CA4214616.

ClinVar aggregate classification (germline): Uncertain significance. Review status: criteria provided, multiple submitters, no conflicts (2 of 4 stars). 2 submissions from 2 submitters: Uncertain significance (2). Last evaluated 2023-12-27.

Conditions:
Bardet-Biedl syndrome (BBS). Identifiers: Orphanet 110, MedGen C0752166, MONDO:0015229.
Bardet-Biedl syndrome 9 (BBS9). Identifiers: Orphanet 110, MedGen C1859567, MONDO:0014437, OMIM 615986.

Allele frequency attached by ClinVar (database versions not stated): gnomAD exomes 0.00001; TOPMed 0.00001; ExAC 0.00002.
gnomAD v4.1: 18 of 1,614,174 alleles (0.0011%); highest among the groups gnomAD compares: Non-Finnish European, 0.0011%; no homozygotes.

Submissions (2):

Fulgent Genetics
Classification: Uncertain significance for Bardet-Biedl syndrome 9. Last evaluated: 2023-12-27. Review status: criteria provided, single submitter. Criteria: ACMG Guidelines, 2015. Collection method: clinical testing. Allele origin: germline.

Labcorp Genetics (formerly Invitae), Labcorp
Classification: Uncertain significance for Bardet-Biedl syndrome. Last evaluated: 2022-04-30. Review status: criteria provided, single submitter. Criteria: Invitae Variant Classification Sherloc (09022015). Collection method: clinical testing. Allele origin: germline.
Comment: This sequence change replaces alanine, which is neutral and non-polar, with threonine, which is neutral and polar, at codon 712 of the BBS9 protein (p.Ala712Thr). This variant is present in population databases (rs751173437, gnomAD 0.003%). This variant has not been reported in the literature in individuals affected with BBS9-related conditions. Algorithms developed to predict the effect of missense changes on protein structure and function output the following: SIFT: "Deleterious"; PolyPhen-2: "Possibly Damaging"; Align-GVGD: "Class C0". The threonine amino acid residue is found in multiple mammalian species, which suggests that this missense change does not adversely affect protein function. In summary, the available evidence is currently insufficient to determine the role of this variant in disease. Therefore, it has been classified as a Variant of Uncertain Significance.